The following is an entry in ClinVar:

ClinVar aggregate classification (germline): Likely benign (1 of 4 stars; one submission).

Conditions:
Familial cancer of breast. Also called: BREAST CANCER, FAMILIAL; Hereditary breast cancer; hereditary breast carcinoma. Identifiers: Orphanet 227535, MedGen C0346153, MONDO:0016419, OMIM 114480. Disease mechanism: loss of function.

Submission:

Myriad Genetics, Inc.
Classification: Likely benign for Familial cancer of breast. Last evaluated: 2024-05-14. Review status: criteria provided, single submitter. Criteria: Myriad Autosomal Dominant, Autosomal Recessive and X-Linked Classification Criteria (2023). Collection method: clinical testing. Allele origin: unknown.
Comment: This variant is considered likely benign. This variant is intronic and is not expected to impact mRNA splicing.

NM_000051.4(ATM):c.3285-14_3285-10delinsCTGC

Gene: ATM (ATM serine/threonine kinase; plus strand). Cytogenetic location: 11q22.3.
Variant type: Indel.
Coding change: c.3285-14_3285-10delinsCTGC on transcript NM_000051.4 (MANE Select); 14 bases into the intron before coding-DNA position 3285 through 10 bases into the intron before coding-DNA position 3285, TTGCT replaced by CTGC.
Molecular consequence: intron variant.
Genome position (GRCh38, 1-based): chr11:108,279,477-108,279,481, TTGCT replaced by CTGC. VCF-style: chr11-108279477-TTGCT-CTGC. GRCh37 (hg19) VCF-style: chr11-108150204-TTGCT-CTGC.
Other names: c.3285-14_3285-10delinsCTGC (NM_001351834.2).
Identifiers: ClinVar variation 3254326 (VCV003254326.1), dbSNP rs2546861302.